The following is an entry in ClinVar:

ClinVar aggregate classification (germline): Likely benign. Review status: criteria provided, multiple submitters, no conflicts (2 of 4 stars). 3 submissions from 3 submitters: Likely benign (3). Last evaluated 2026-07-22.

Conditions:
CRB1-related disorder. Also called: CRB1-related disorders; CRB1-related condition.
Leber congenital amaurosis 8 (LCA8). Identifiers: Orphanet 65, MedGen C3151202, MONDO:0013453, OMIM 613835.
Retinitis pigmentosa 12 (RP12). Also called: RP WITH OR WITHOUT PRESERVED PARAARTERIOLE RETINAL PIGMENT EPITHELIUM; RETINITIS PIGMENTOSA WITH OR WITHOUT PARAARTERIOLAR PRESERVATION OF RETINAL PIGMENT EPITHELIUM; RP WITH OR WITHOUT PPRPE. Identifiers: Orphanet 791, MedGen C1838647, MONDO:0010818, OMIM 600105.

Allele frequency attached by ClinVar (database versions not stated): ExAC 0.00002; gnomAD exomes 0.00002; TOPMed 0.00002; gnomAD 0.00003 and 0.00004; ESP Exome Variant Server 0.00008.
gnomAD v4.1: 23 of 1,613,790 alleles (0.0014%); highest among the groups gnomAD compares: East Asian, 0.0045%; no homozygotes.

Submissions (3):

PreventionGenetics, part of Exact Sciences
Classification: Likely benign for CRB1-related condition. Last evaluated: 2026-07-22. Review status: criteria provided, single submitter. Criteria: ACMG Guidelines, 2015. Collection method: clinical testing. Allele origin: germline.
Comment: This variant is classified as likely benign based on ACMG/AMP sequence variant interpretation guidelines (Richards et al. 2015 PMID: 25741868, with internal and published modifications).

Labcorp Genetics (formerly Invitae), Labcorp
Classification: Likely benign for Leber congenital amaurosis 8; Retinitis pigmentosa 12. Last evaluated: 2025-05-29. Review status: criteria provided, single submitter. Criteria: Invitae Variant Classification Sherloc (09022015). Collection method: clinical testing. Allele origin: germline.

Blueprint Genetics
Classification: Likely benign. Last evaluated: 2024-05-31. Review status: criteria provided, single submitter. Criteria: ACMG Guidelines, 2015. Collection method: clinical testing. Allele origin: germline.

NM_201253.3(CRB1):c.2463G>A (p.Thr821=)

Gene: CRB1 (crumbs cell polarity complex component 1; plus strand). Cytogenetic location: 1q31.3.
Variant type: single nucleotide variant.
Coding change: c.2463G>A on transcript NM_201253.3 (MANE Select); coding-DNA position 2463, G replaced by A.
Protein change: p.Thr821=; no amino-acid change (threonine 821 retained).
Molecular consequence: synonymous variant. On other transcripts: non-coding transcript variant (2), intron variant (1).
Genome position (GRCh38, 1-based): chr1:197,427,788, G>A. VCF-style: chr1-197427788-G-A. GRCh37 (hg19) VCF-style: chr1-197396918-G-A.
Other names: c.2127G>A, p.Thr709= (NM_001193640.2); c.2256G>A, p.Thr752= (NM_001257965.2); c.2128+5832G>A (NM_001257966.2); c.2463G>A (NM_201253.2).
Identifiers: ClinVar variation 1089401 (VCV001089401.11), dbSNP rs375269970, ClinGen allele CA1312123.
Genomic context (GRCh38, chr1:197,427,788, plus strand): 5'-GCCATATAAAATTGAACTGTATCAGTCTTCACAAAACCTAGGATTTATTTCTGCTTCTAC[G>A]TGGAAAATCGAAAAGGGAGATGTCATCTACATTGGTGGCCTACCTGACAAGCAAGAGACT-3'
Protein context (NP_957705.1, residues 811-831): SQNLGFISAS[Thr821=]WKIEKGDVIY